The following is an entry in ClinVar:

ClinVar aggregate classification (germline): Uncertain significance (1 of 4 stars; one submission).

Submission:

Labcorp Genetics (formerly Invitae), Labcorp
Classification: Uncertain significance. Last evaluated: 2024-05-17. Review status: criteria provided, single submitter. Criteria: Invitae Variant Classification Sherloc (09022015). Collection method: clinical testing. Allele origin: germline.
Comment: This sequence change replaces glutamic acid, which is acidic and polar, with aspartic acid, which is acidic and polar, at codon 549 of the SEPT9 protein (p.Glu549Asp). This variant is not present in population databases (gnomAD no frequency). This variant has not been reported in the literature in individuals affected with SEPT9-related conditions. Advanced modeling of protein sequence and biophysical properties (such as structural, functional, and spatial information, amino acid conservation, physicochemical variation, residue mobility, and thermodynamic stability) performed at Invitae indicates that this missense variant is not expected to disrupt SEPT9 protein function with a negative predictive value of 80%. In summary, the available evidence is currently insufficient to determine the role of this variant in disease. Therefore, it has been classified as a Variant of Uncertain Significance.

NM_001113491.2(SEPTIN9):c.1701G>C (p.Glu567Asp)

Gene: SEPTIN9 (septin 9; plus strand). Cytogenetic location: 17q25.3.
Variant type: single nucleotide variant.
Coding change: c.1701G>C on transcript NM_001113491.2 (MANE Select); coding-DNA position 1701, G replaced by C.
Protein change: p.Glu567Asp; replaces glutamic acid 567 with aspartic acid.
Molecular consequence: missense variant.
Genome position (GRCh38, 1-based): chr17:77,498,598, G>C. VCF-style: chr17-77498598-G-C. GRCh37 (hg19) VCF-style: chr17-75494680-G-C.
Other names: c.1209G>C, p.Glu403Asp (NM_001113492.2, NM_001113494.1); c.1680G>C, p.Glu560Asp (NM_001113493.2); c.948G>C, p.Glu316Asp (NM_001113495.2, NM_001113496.2, NM_001293697.2 and 1 more transcripts); c.1644G>C, p.Glu548Asp (NM_001293695.2); c.1029G>C, p.Glu343Asp (NM_001293696.2); c.1647G>C, p.Glu549Asp (NM_006640.5); short protein forms E567D, E549D, E560D, E316D, E343D, E403D, E548D.
Identifiers: ClinVar variation 3694888 (VCV003694888.2).
Genomic context (GRCh38, chr17:77,498,598, plus strand): 5'-CATCAAGGACATCACCAGCAGCATCCACTTCGAGGCGTACCGTGTGAAGCGCCTCAACGA[G>C]GGCAGCAGCGCCATGGCCAACGGCATGGAGGAGAAGGAGCCAGAAGCCCCGGAGATGTAG-3'
Protein context (NP_001106963.1, residues 557-577): FEAYRVKRLN[Glu567Asp]GSSAMANGME